The following is an entry in ClinVar:

ClinVar aggregate classification (germline): Uncertain significance (1 of 4 stars; one submission).

Conditions:
Alagille syndrome due to a JAG1 point mutation. Also called: JAG1-Related Alagille Syndrome; Alagille Syndrome 1; HEPATIC DUCTULAR HYPOPLASIA, SYNDROMATIC. Identifiers: Orphanet 261619, Orphanet 52, MedGen C1956125, MONDO:0016862, OMIM 118450.

Submission:

Labcorp Genetics (formerly Invitae), Labcorp
Classification: Uncertain significance for Alagille syndrome due to a JAG1 point mutation. Last evaluated: 2021-07-04. Review status: criteria provided, single submitter. Criteria: Invitae Variant Classification Sherloc (09022015). Collection method: clinical testing. Allele origin: germline.
Comment: Experimental studies and prediction algorithms are not available or were not evaluated, and the effect of this variant on mRNA splicing is currently unknown. In summary, the available evidence is currently insufficient to determine the role of this variant in disease. Therefore, it has been classified as a Variant of Uncertain Significance. This variant has not been reported in the literature in individuals affected with JAG1-related conditions. This variant is not present in population databases (ExAC no frequency). This sequence change falls in intron 2 of the JAG1 gene. It does not directly change the encoded amino acid sequence of the JAG1 protein.

NM_000214.3(JAG1):c.388-16_388-12delinsCAGAGGTCCTATACG

Gene: JAG1 (jagged canonical Notch ligand 1; minus strand). Cytogenetic location: 20p12.2.
Variant type: Indel.
Coding change: c.388-16_388-12delinsCAGAGGTCCTATACG on transcript NM_000214.3 (MANE Select); 16 bases into the intron before coding-DNA position 388 through 12 bases into the intron before coding-DNA position 388, TTTGT replaced by CAGAGGTCCTATACG.
Molecular consequence: intron variant.
Genome position (GRCh38, 1-based): chr20:10,664,026-10,664,030, ACAAA replaced by CGTATAGGACCTCTG on the plus strand (TTTGT replaced by CAGAGGTCCTATACG on the coding strand, the reverse complement: JAG1 is on the minus strand). VCF-style: chr20-10664026-ACAAA-CGTATAGGACCTCTG. GRCh37 (hg19) VCF-style: chr20-10644674-ACAAA-CGTATAGGACCTCTG.
Identifiers: ClinVar variation 3010824 (VCV003010824.3), dbSNP rs2514531207, ClinGen allele CA2740097013.